The following is an entry in ClinVar:

NM_003119.4(SPG7):c.79_80insTG (p.Pro27fs)

Genes: SPG7 (SPG7 matrix AAA peptidase subunit, paraplegin; plus strand), LOC130059818 (ATAC-STARR-seq lymphoblastoid silent region 7911; plus strand). Cytogenetic location: 16q24.3.
Variant type: Insertion.
Coding change: c.79_80insTG on transcript NM_003119.4 (MANE Select); coding-DNA positions 79 to 80, TG inserted.
Protein change: p.Pro27fs; shifts the reading frame from proline 27.
Molecular consequence: frameshift variant.
Genome position: GRCh38 VCF-style: chr16-89508496-C-CTG. GRCh37 (hg19) VCF-style: chr16-89574904-C-CTG.
Other names: c.79_80insTG, p.Pro27fs (NM_001363850.1, NM_199367.3); short protein forms P27fs.
Identifiers: ClinVar variation 3242479 (VCV003242479.1).
Genomic context (GRCh38, chr16:89,508,496, plus strand): 5'-CTGCTCCGTGCCCTCCGCCGGGGTCCAGGCCCGGGTCCTCGGCCGCTGTGGGGCCCAGGC[C>CTG]CGGCCTGGAGTCCAGGGTTCCCCGCCAGGCCCGGGAGGGGGCGGCCGTACATGGCCAGCA-3'

ClinVar aggregate classification (germline): Likely pathogenic (1 of 4 stars; one submission).

Conditions:
Hereditary spastic paraplegia 7 (SPG7). Also called: Autosomal recessive spastic paraplegia type 7; SPASTIC PARAPLEGIA 7, AUTOSOMAL RECESSIVE, WITH OR WITHOUT CEREBELLAR ATAXIA; Spastic paraplegia 7; Hereditary spastic paraplegia Paraplegin type; SPG7-related neurologic disorder. Identifiers: Orphanet 99013, MedGen C1846564, MONDO:0011803, OMIM 607259.

Submission:

PROSPAX: an integrated multimodal progression  chart in spastic ataxias, Center for Neurology; Hertie-Institute for Clinical Brain Research
Classification: Likely pathogenic for Hereditary spastic paraplegia 7. Last evaluated: 2022-01-01. Review status: criteria provided, single submitter. Criteria: ACMG Guidelines, 2015. Collection method: research. Allele origin: germline. Affected: yes.
Comment: Variant seen in compound het: [c.79_80insTG;c.2164delC]